The following is an entry in ClinVar:

NM_007118.4(TRIO):c.4316T>G (p.Leu1439Arg)

Gene: TRIO (trio Rho guanine nucleotide exchange factor; plus strand). Cytogenetic location: 5p15.2.
Variant type: single nucleotide variant.
Coding change: c.4316T>G on transcript NM_007118.4 (MANE Select); coding-DNA position 4316, T replaced by G.
Protein change: p.Leu1439Arg; replaces leucine 1439 with arginine.
Molecular consequence: missense variant. On other transcripts: non-coding transcript variant (1).
Genome position (GRCh38, 1-based): chr5:14,397,047, T>G. VCF-style: chr5-14397047-T-G. GRCh37 (hg19) VCF-style: chr5-14397156-T-G.
Other names: short protein forms L1439R.
Identifiers: ClinVar variation 3900916 (VCV003900916.1).
Genomic context (GRCh38, chr5:14,397,047, plus strand): 5'-CTTATTGGCAGAGCATTCTGCAGTCTTTACCTAGTTTCTGTTGTTTATCTTTGCAGGAGC[T>G]GCTGACGTGCTGTGAGGAAGGAAAGGGAGAGATTAAAGATGGCCTGGAGGTGATGCTCAG-3'
Protein context (NP_009049.2, residues 1429-1449): ITKYQLLLKE[Leu1439Arg]LTCCEEGKGE

ClinVar aggregate classification (germline): Uncertain significance (1 of 4 stars; one submission).

Submission:

GeneDx
Classification: Uncertain significance. Last evaluated: 2024-11-27. Review status: criteria provided, single submitter. Criteria: GeneDx Variant Classification Process June 2021. Collection method: clinical testing. Allele origin: germline. Affected: yes.
Comment: Not observed at significant frequency in large population cohorts (gnomAD); In silico analysis supports that this missense variant has a deleterious effect on protein structure/function; Has not been previously published as pathogenic or benign to our knowledge